The following is an entry in ClinVar:

NM_000492.4(CFTR):c.2381_2450del (p.Val794fs)

Gene: CFTR (CF transmembrane conductance regulator; plus strand). Cytogenetic location: 7q31.2.
Variant type: Deletion.
Coding change: c.2381_2450del on transcript NM_000492.4 (MANE Select); coding-DNA positions 2381 to 2450, 70 bases deleted.
Protein change: p.Val794fs; shifts the reading frame from valine 794.
Molecular consequence: frameshift variant.
Genome position (GRCh38, 1-based): chr7:117,592,548-117,592,617, 70 bases deleted. GRCh37 (hg19): chr7:117,232,602-117,232,671.
Other names: c.2381_2450del (NM_000492.3); short protein forms V794fs.
Identifiers: ClinVar variation 2680716 (VCV002680716.2), dbSNP rs2485110650, ClinGen allele CA2695199624.

ClinVar aggregate classification (germline): Likely pathogenic. Review status: criteria provided, multiple submitters, no conflicts (2 of 4 stars). 2 submissions from 2 submitters: Likely pathogenic (2). Last evaluated 2025-08-04.

Conditions:
CFTR-related disorder (CFTR-RD). Also called: CFTR-related disorders; CFTR-related condition. Identifiers: MedGen C5924204, MONDO:7770004.
Bronchiectasis with or without elevated sweat chloride 1 (BESC1). Also called: Cystic Fibrosis-Like Syndrome. Identifiers: Orphanet 60033, MedGen C2749757, MONDO:0008887, OMIM 211400.

Submissions (2):

Natera, Inc.
Classification: Likely pathogenic for CFTR-related disorders. Last evaluated: 2025-08-04. Review status: criteria provided, single submitter. Criteria: Natera Variant Classification Schema (03/2026). Collection method: clinical testing. Allele origin: germline.
Comment: The c.2381_2450del variant in CFTR is a frameshift variant predicted to shift the reading frame beginning at codon 794 and leads to a stop codon 4 codons downstream. This variant is expected to result in nonsense mediated decay, truncation, or a dysfunctional protein product. This variant is rare in the general population with a frequency below the threshold expected for the associated phenotype(s). Given the available evidence, this variant is classified as Likely Pathogenic.

Baylor Genetics
Classification: Likely pathogenic for Bronchiectasis with or without elevated sweat chloride 1. Last evaluated: 2023-02-13. Review status: criteria provided, single submitter. Criteria: ACMG Guidelines, 2015. Collection method: clinical testing. Allele origin: unknown.